The following is an entry in ClinVar:

NM_173648.4(CCDC141):c.3496C>A (p.Leu1166Ile)

Gene: CCDC141 (coiled-coil domain containing 141; minus strand). Cytogenetic location: 2q31.2.
Variant type: single nucleotide variant.
Coding change: c.3496C>A on transcript NM_173648.4 (MANE Select); coding-DNA position 3496, C replaced by A.
Protein change: p.Leu1166Ile; replaces leucine 1166 with isoleucine.
Molecular consequence: missense variant.
Genome position (GRCh38, 1-based): chr2:178,837,723, G>T on the plus strand (C>A on the coding strand, the complement: CCDC141 is on the minus strand). VCF-style: chr2-178837723-G-T. GRCh37 (hg19) VCF-style: chr2-179702450-G-T.
Other names: short protein forms L1166I.
Identifiers: ClinVar variation 3675883 (VCV003675883.2).

ClinVar aggregate classification (germline): Uncertain significance (1 of 4 stars; one submission).

gnomAD v4.1: 1 of 1,611,530 alleles (0.000062%); no homozygotes.

Submission:

Labcorp Genetics (formerly Invitae), Labcorp
Classification: Uncertain significance. Last evaluated: 2024-12-02. Review status: criteria provided, single submitter. Criteria: Invitae Variant Classification Sherloc (09022015). Collection method: clinical testing. Allele origin: germline.
Comment: This sequence change replaces leucine, which is neutral and non-polar, with isoleucine, which is neutral and non-polar, at codon 1166 of the CCDC141 protein (p.Leu1166Ile). This variant is not present in population databases (gnomAD no frequency). This variant has not been reported in the literature in individuals affected with CCDC141-related conditions. An algorithm developed to predict the effect of missense changes on protein structure and function outputs the following: PolyPhen-2: "Benign". The isoleucine amino acid residue is found in multiple mammalian species, which suggests that this missense change does not adversely affect protein function. In summary, the available evidence is currently insufficient to determine the role of this variant in disease. Therefore, it has been classified as a Variant of Uncertain Significance.